The following is an entry in ClinVar:

NM_006133.3(DAGLA):c.945C>T (p.Cys315=)

Gene: DAGLA (diacylglycerol lipase alpha; plus strand). Cytogenetic location: 11q12.2.
Variant type: single nucleotide variant.
Coding change: c.945C>T on transcript NM_006133.3 (MANE Select); coding-DNA position 945, C replaced by T.
Protein change: p.Cys315=; no amino-acid change (cysteine 315 retained).
Molecular consequence: synonymous variant.
Genome position (GRCh38, 1-based): chr11:61,731,412, C>T. VCF-style: chr11-61731412-C-T. GRCh37 (hg19) VCF-style: chr11-61498884-C-T.
Identifiers: ClinVar variation 5040872 (VCV005040872.1).

ClinVar aggregate classification (germline): Likely benign (1 of 4 stars; one submission).

gnomAD v4.1: 189 of 1,613,988 alleles (0.012%); highest among the groups gnomAD compares: African/African-American, 0.071%; no homozygotes.

Submission:

CeGaT Center for Human Genetics Tuebingen
Classification: Likely benign. Last evaluated: 2026-09-01. Review status: criteria provided, single submitter. Criteria: CeGaT Center For Human Genetics Tuebingen Variant Classification Criteria Version 2. Collection method: clinical testing. Allele origin: germline. Affected: yes. Observed: 1 variant allele.
Comment: DAGLA: BP4, BP7